The following is an entry in ClinVar:

NM_001723.7(DST):c.7463G>A (p.Gly2488Asp)

Gene: DST (dystonin; minus strand). Cytogenetic location: 6p12.1.
Variant type: single nucleotide variant.
Coding change: c.7463G>A on transcript NM_001723.7 (MANE Plus Clinical); coding-DNA position 7463, G replaced by A.
Protein change: p.Gly2488Asp; replaces glycine 2488 with aspartic acid.
Molecular consequence: missense variant. On other transcripts: intron variant (10).
Genome position (GRCh38, 1-based): chr6:56,616,004, C>T on the plus strand (G>A on the coding strand, the complement: DST is on the minus strand). VCF-style: chr6-56616004-C-T. GRCh37 (hg19) VCF-style: chr6-56480802-C-T.
Other names: c.4831-1520G>A (NM_001144769.5); c.4930-1520G>A (NM_001374722.1, NM_001374736.1); c.4957-1520G>A (NM_001374734.1); c.4417-1520G>A (NM_001144770.2); c.4297-1520G>A (NM_001374730.1, NM_001386100.1, NM_183380.4 and 1 more transcripts); c.3319-1520G>A (NM_015548.5); short protein forms G2488D.
Identifiers: ClinVar variation 1963042 (VCV001963042.5), dbSNP rs1329545752, ClinGen allele CA364562942.

ClinVar aggregate classification (germline): Uncertain significance (1 of 4 stars; one submission).

Conditions:
Hereditary sensory and autonomic neuropathy type 6. Also called: HSAN VI; Neuropathy, hereditary sensory and autonomic, type VI. Identifiers: Orphanet 314381, MedGen C3539003, MONDO:0013839, OMIM 614653.
Epidermolysis bullosa simplex 3, localized or generalized intermediate, with BP230 deficiency (EBS3). Also called: Epidermolysis bullosa simplex due to BP230 deficiency; Epidermolysis bullosa simplex, autosomal recessive 2. Identifiers: Orphanet 412181, MedGen C3809470, MONDO:0014180, OMIM 615425.

Allele frequency attached by ClinVar (database versions not stated): gnomAD exomes below 0.00001.
gnomAD v4.1: 2 of 1,614,196 alleles (0.00012%); highest among the groups gnomAD compares: Non-Finnish European, 0.00017%; no homozygotes.

Submission:

Labcorp Genetics (formerly Invitae), Labcorp
Classification: Uncertain significance for Epidermolysis bullosa simplex 3, localized or generalized intermediate, with BP230 deficiency; Hereditary sensory and autonomic neuropathy type 6. Last evaluated: 2022-07-04. Review status: criteria provided, single submitter. Criteria: Invitae Variant Classification Sherloc (09022015). Collection method: clinical testing. Allele origin: germline.
Comment: Algorithms developed to predict the effect of missense changes on protein structure and function are either unavailable or do not agree on the potential impact of this missense change (SIFT: "Tolerated"; PolyPhen-2: "Probably Damaging"; Align-GVGD: "Class C15"). In summary, the available evidence is currently insufficient to determine the role of this variant in disease. Therefore, it has been classified as a Variant of Uncertain Significance. This variant has not been reported in the literature in individuals affected with DST-related conditions. This variant is not present in population databases (gnomAD no frequency). This sequence change replaces glycine, which is neutral and non-polar, with aspartic acid, which is acidic and polar, at codon 2488 of the DST protein (p.Gly2488Asp).